The following is an entry in ClinVar:

ClinVar aggregate classification (germline): Conflicting classifications of pathogenicity. Review status: criteria provided, conflicting classifications (1 of 4 stars). 2 submissions from 2 submitters: Uncertain significance (1); Likely benign (1). Last evaluated 2024-03-25.

Conditions:
Melnick-Fraser syndrome (BOR). Also called: Branchiootorenal syndrome; Branchio-oto-renal syndrome; Branchiootorenal Syndrome (BORS). Identifiers: Orphanet 107, MedGen C0265234, MONDO:0007029.

gnomAD v4.1: 16 of 1,614,122 alleles (0.00099%); highest among the groups gnomAD compares: African/African-American, 0.008%; no homozygotes.

Submissions (2):

Labcorp Genetics (formerly Invitae), Labcorp
Classification: Likely benign for Melnick-Fraser syndrome. Last evaluated: 2024-03-25. Review status: criteria provided, single submitter. Criteria: Invitae Variant Classification Sherloc (09022015). Collection method: clinical testing. Allele origin: germline.

GeneDx
Classification: Uncertain significance. Last evaluated: 2024-01-19. Review status: criteria provided, single submitter. Criteria: GeneDx Variant Classification Process June 2021. Collection method: clinical testing. Allele origin: germline. Affected: yes.
Comment: In silico analysis supports that this missense variant does not alter protein structure/function; Has not been previously published as pathogenic or benign to our knowledge

NM_000503.6(EYA1):c.377C>T (p.Thr126Met)

Gene: EYA1 (EYA transcriptional coactivator and phosphatase 1; minus strand). Cytogenetic location: 8q13.3.
Variant type: single nucleotide variant.
Coding change: c.377C>T on transcript NM_000503.6 (MANE Select); coding-DNA position 377, C replaced by T.
Protein change: p.Thr126Met; replaces threonine 126 with methionine.
Molecular consequence: missense variant.
Genome position (GRCh38, 1-based): chr8:71,321,775, G>A on the plus strand (C>T on the coding strand, the complement: EYA1 is on the minus strand). VCF-style: chr8-71321775-G-A. GRCh37 (hg19) VCF-style: chr8-72234010-G-A.
Other names: c.374C>T, p.Thr125Met (NM_001288574.2); c.26C>T, p.Thr9Met (NM_001288575.2); c.464C>T, p.Thr155Met (NM_001370333.1, NM_172059.5); c.377C>T, p.Thr126Met (NM_001370334.1, NM_001370335.1, NM_172058.4); c.461C>T, p.Thr154Met (NM_001370336.1); c.278C>T, p.Thr93Met (NM_001411797.1, NM_172060.4); short protein forms T125M, T126M, T154M, T155M, T93M, T9M.
Identifiers: ClinVar variation 3367989 (VCV003367989.3).